The following is an entry in ClinVar:

ClinVar aggregate classification (germline): Likely pathogenic (1 of 4 stars; one submission).

Conditions:
HNF1B-related disorder. Also called: HNF1B-related condition; HNF1B-related disorders.

Submission:

PreventionGenetics, part of Exact Sciences
Classification: Likely pathogenic for HNF1B-related condition. Last evaluated: 2025-02-21. Review status: criteria provided, single submitter. Criteria: ACMG Guidelines, 2015. Collection method: clinical testing. Allele origin: germline.
Comment: The HNF1B c.866A>G variant is predicted to result in the amino acid substitution p.Asn289Ser. To our knowledge, this variant has not been reported in the literature or in a large population database (gnomAD), indicating this variant is rare. However, this variant has been found in a pediatric patient with maturity-onset diabetes of the young (MODY) in a conference abstract presentation. The p.Asn289 residue is highly conserved. Of note, different substitutions at the same codon have been reported to be pathogenic for HNF1B-related disorders, indicating this codon is critical for the normal protein function (p.Asn289His in Ishiwa et al. 2019. PubMed ID: 30937553 and Oba et al. 2021. PubMed ID: 33851123; p.Asn289Asp in Faguer et al. 2011. PubMed ID: 21775974 and Yu et al. 2023. PubMed ID: 36777702; p.Asn289Lys in Johansson et al. 2017. PubMed ID: 27913849). Taken together, the c.866A>G (p.Asn289Ser) variant is interpreted a likely pathogenic.

NM_000458.4(HNF1B):c.866A>G (p.Asn289Ser)

Gene: HNF1B (HNF1 homeobox B; minus strand). Cytogenetic location: 17q12.
Variant type: single nucleotide variant.
Coding change: c.866A>G on transcript NM_000458.4 (MANE Select); coding-DNA position 866, A replaced by G.
Protein change: p.Asn289Ser; replaces asparagine 289 with serine.
Molecular consequence: missense variant.
Genome position (GRCh38, 1-based): chr17:37,731,774, T>C on the plus strand (A>G on the coding strand, the complement: HNF1B is on the minus strand). VCF-style: chr17-37731774-T-C. GRCh37 (hg19) VCF-style: chr17-36091765-T-C.
Other names: c.788A>G, p.Asn263Ser (NM_001165923.4, NM_001304286.2); c.866A>G, p.Asn289Ser (NM_001411100.1); short protein forms N263S, N289S.
Identifiers: ClinVar variation 5000351 (VCV005000351.1).